The following is an entry in ClinVar:

NM_004984.4(KIF5A):c.340C>T (p.Arg114Ter)

Gene: KIF5A (kinesin family member 5A; plus strand). Cytogenetic location: 12q13.3.
Variant type: single nucleotide variant.
Coding change: c.340C>T on transcript NM_004984.4 (MANE Select); coding-DNA position 340, C replaced by T.
Protein change: p.Arg114Ter; replaces arginine 114 with a stop codon.
Molecular consequence: nonsense. On other transcripts: intron variant (1).
Genome position (GRCh38, 1-based): chr12:57,564,156, C>T. VCF-style: chr12-57564156-C-T. GRCh37 (hg19) VCF-style: chr12-57957939-C-T.
Other names: c.130-304C>T (NM_001354705.2); short protein forms R114*.
Identifiers: ClinVar variation 3372319 (VCV003372319.1).

ClinVar aggregate classification (germline): Likely pathogenic (1 of 4 stars; one submission).

Submission:

GeneDx
Classification: Likely pathogenic. Last evaluated: 2024-04-16. Review status: criteria provided, single submitter. Criteria: GeneDx Variant Classification Process June 2021. Collection method: clinical testing. Allele origin: germline. Affected: yes.
Comment: Observed in an individual with amyotrophic lateral sclerosis; however, additional clinical information was not included (PMID: 35896380); Nonsense variant predicted to result in protein truncation or nonsense mediated decay in a gene for which loss of function is a known mechanism of disease; Not observed at significant frequency in large population cohorts (gnomAD); This variant is associated with the following publications: (PMID: 35896380)